The following is an entry in ClinVar:

ClinVar aggregate classification (germline): Uncertain significance (1 of 4 stars; one submission).

Conditions:
Chromosome 2q32-q33 deletion syndrome (GLASS). Also called: Glass syndrome; 2q33.1 deletion syndrome. Identifiers: Orphanet 251019, MedGen C2676739, MONDO:0012864, OMIM 612313.

Submission:

Dasa
Classification: Uncertain significance for Chromosome 2q32-q33 deletion syndrome. Last evaluated: 2025-03-19. Review status: criteria provided, single submitter. Criteria: DASA Assertion Criteria. Collection method: clinical testing. Allele origin: germline.
Comment: NM_001172509.2(SATB2):c.181C>A (p.Pro61Thr) is a missense variant that results in the substitution of proline with threonine. This variant is absent from population databases. The currently available literature and clinical evidence are not sufficient to establish a definitive association between this variant and the reported condition. Therefore, this variant is classified as a variant of uncertain significance.

NM_001172509.2(SATB2):c.181C>A (p.Pro61Thr)

Gene: SATB2 (SATB homeobox 2; minus strand). Cytogenetic location: 2q33.1.
Variant type: single nucleotide variant.
Coding change: c.181C>A on transcript NM_001172509.2 (MANE Select); coding-DNA position 181, C replaced by A.
Protein change: p.Pro61Thr; replaces proline 61 with threonine.
Molecular consequence: missense variant. On other transcripts: non-coding transcript variant (1).
Genome position (GRCh38, 1-based): chr2:199,433,503, G>T on the plus strand (C>A on the coding strand, the complement: SATB2 is on the minus strand). VCF-style: chr2-199433503-G-T. GRCh37 (hg19) VCF-style: chr2-200298226-G-T.
Other names: c.181C>A, p.Pro61Thr (NM_001172517.1, NM_015265.4); short protein forms P61T.
Identifiers: ClinVar variation 4881866 (VCV004881866.2).